The following is an entry in ClinVar:

NM_021020.5(LZTS1):c.613C>T (p.Arg205Cys)

Gene: LZTS1 (leucine zipper tumor suppressor 1; minus strand). Cytogenetic location: 8p21.3.
Variant type: single nucleotide variant.
Coding change: c.613C>T on transcript NM_021020.5 (MANE Select); coding-DNA position 613, C replaced by T.
Protein change: p.Arg205Cys; replaces arginine 205 with cysteine.
Molecular consequence: missense variant.
Genome position (GRCh38, 1-based): chr8:20,253,318, G>A on the plus strand (C>T on the coding strand, the complement: LZTS1 is on the minus strand). VCF-style: chr8-20253318-G-A. GRCh37 (hg19) VCF-style: chr8-20110829-G-A.
Other names: c.613C>T, p.Arg205Cys (NM_001362884.2); short protein forms R205C.
Identifiers: ClinVar variation 1970366 (VCV001970366.5), dbSNP rs1403434821, ClinGen allele CA370477905.

ClinVar aggregate classification (germline): Uncertain significance (1 of 4 stars; one submission).

Allele frequency attached by ClinVar (database versions not stated): gnomAD exomes below 0.00001; TOPMed 0.00001.
gnomAD v4.1: 4 of 1,613,944 alleles (0.00025%); highest among the groups gnomAD compares: African/African-American, 0.0013%; no homozygotes.

Submission:

Labcorp Genetics (formerly Invitae), Labcorp
Classification: Uncertain significance. Last evaluated: 2022-08-08. Review status: criteria provided, single submitter. Criteria: Invitae Variant Classification Sherloc (09022015). Collection method: clinical testing. Allele origin: germline.
Comment: In summary, the available evidence is currently insufficient to determine the role of this variant in disease. Therefore, it has been classified as a Variant of Uncertain Significance. Algorithms developed to predict the effect of missense changes on protein structure and function are either unavailable or do not agree on the potential impact of this missense change (SIFT: "Deleterious"; PolyPhen-2: "Probably Damaging"; Align-GVGD: "Class C0"). This variant has not been reported in the literature in individuals affected with LZTS1-related conditions. This variant is present in population databases (no rsID available, gnomAD 0.0009%). This sequence change replaces arginine, which is basic and polar, with cysteine, which is neutral and slightly polar, at codon 205 of the LZTS1 protein (p.Arg205Cys).